The following is an entry in ClinVar:

NM_001290043.2(TAP2):c.658C>A (p.Arg220=)

Genes: TAP2 (transporter 2, ATP binding cassette subfamily B member; minus strand), LOC107648851 (meiotic recombination hotspot TAP2; plus strand). Cytogenetic location: 6p21.32.
Variant type: single nucleotide variant.
Coding change: c.658C>A on transcript NM_001290043.2 (MANE Select); coding-DNA position 658, C replaced by A.
Protein change: p.Arg220=; no amino-acid change (arginine 220 retained).
Molecular consequence: synonymous variant.
Genome position (GRCh38, 1-based): chr6:32,835,724, G>T on the plus strand (C>A on the coding strand, the complement: TAP2 is on the minus strand). VCF-style: chr6-32835724-G-T. GRCh37 (hg19) VCF-style: chr6-32803501-G-T.
Other names: c.658C>A, p.Arg220= (NM_000544.3, NM_018833.3).
Identifiers: ClinVar variation 466374 (VCV000466374.15), dbSNP rs142794316, ClinGen allele CA3746094.

ClinVar aggregate classification (germline): Benign. Review status: criteria provided, multiple submitters, no conflicts (2 of 4 stars). 3 submissions from 3 submitters: Benign (2). 1 of the submissions does not count toward it. Last evaluated 2026-01-29.

Conditions:
MHC class I deficiency. Identifiers: Orphanet 34592, MedGen C6024714, MONDO:0011476.
TAP2-related disorder. Also called: TAP2-related condition.

Allele frequency attached by ClinVar (database versions not stated): TOPMed 0.01157; ESP Exome Variant Server 0.01114; 1000 Genomes Project 0.01198; ExAC 0.00496; gnomAD 0.00886; 1000 Genomes Project 30x 0.01296.

Submissions (3):

Labcorp Genetics (formerly Invitae), Labcorp
Classification: Benign for MHC class I deficiency 1. Last evaluated: 2026-01-29. Review status: criteria provided, single submitter. Criteria: Invitae Variant Classification Sherloc (09022015). Collection method: clinical testing. Allele origin: germline.

Women's Health and Genetics/Laboratory Corporation of America, LabCorp
Classification: Benign. Last evaluated: 2026-01-22. Review status: criteria provided, single submitter. Criteria: LabCorp Variant Classification Summary - May 2015. Collection method: clinical testing. Allele origin: germline.

PreventionGenetics, part of Exact Sciences
Classification: Benign for TAP2-related condition. Last evaluated: 2019-04-01. Review status: no assertion criteria provided. Collection method: clinical testing. Allele origin: germline. Not counted in ClinVar's aggregate classification.
Comment: This variant is classified as benign based on ACMG/AMP sequence variant interpretation guidelines (Richards et al. 2015 PMID: 25741868, with internal and published modifications).